The following is an entry in ClinVar:

NM_001211.6(BUB1B):c.2848C>T (p.Gln950Ter)

Genes: BUB1B (BUB1 mitotic checkpoint serine/threonine kinase B; plus strand), BUB1B-PAK6 (BUB1B-PAK6 readthrough; plus strand). Cytogenetic location: 15q15.1.
Variant type: single nucleotide variant.
Coding change: c.2848C>T on transcript NM_001211.6 (MANE Select); coding-DNA position 2848, C replaced by T.
Protein change: p.Gln950Ter; replaces glutamine 950 with a stop codon.
Molecular consequence: nonsense. On other transcripts: 5 prime UTR variant (2).
Genome position (GRCh38, 1-based): chr15:40,217,665, C>T. VCF-style: chr15-40217665-C-T. GRCh37 (hg19) VCF-style: chr15-40509866-C-T.
Other names: c.-203C>T (NM_001128628.3); c.-120C>T (NM_001128629.3); short protein forms Q950*.
Identifiers: ClinVar variation 1980347 (VCV001980347.4), dbSNP rs1340959180, ClinGen allele CA391688154.
Genomic context (GRCh38, chr15:40,217,665, plus strand): 5'-TTTCGGACTGTACAGATCCTGGAAGGACAAAAGATCCTGGCTAACTGTTCTTCTCCCTAC[C>T]AGGTAAGTGTAAAACAAGCCTGAGCAAATATGGAGAGGGTTTCTTAATCTCTTTATTATC-3'

ClinVar aggregate classification (germline): Pathogenic (1 of 4 stars; one submission).

Conditions:
Mosaic variegated aneuploidy syndrome 1 (MVA1). Also called: Warburton-Anyane-Yeboa syndrome. Identifiers: Orphanet 1052, MedGen C1850343, MONDO:0009759, OMIM 257300.

Allele frequency attached by ClinVar (database versions not stated): gnomAD exomes 0.00001.
gnomAD v4.1: 3 of 1,614,192 alleles (0.00019%); highest among the groups gnomAD compares: Non-Finnish European, 0.00025%; no homozygotes.

Submission:

Labcorp Genetics (formerly Invitae), Labcorp
Classification: Pathogenic for Mosaic variegated aneuploidy syndrome 1. Last evaluated: 2022-06-19. Review status: criteria provided, single submitter. Criteria: Invitae Variant Classification Sherloc (09022015). Collection method: clinical testing. Allele origin: germline.
Comment: For these reasons, this variant has been classified as Pathogenic. This variant has not been reported in the literature in individuals affected with BUB1B-related conditions. This variant is not present in population databases (gnomAD no frequency). This sequence change creates a premature translational stop signal (p.Gln950*) in the BUB1B gene. It is expected to result in an absent or disrupted protein product. Loss-of-function variants in BUB1B are known to be pathogenic (PMID: 15475955, 21190457).

Literature cited by the submitters: PubMed 15475955; PubMed 21190457.